The following is an entry in ClinVar:

NM_001010867.4(IBA57):c.980T>C (p.Ile327Thr)

Gene: IBA57 (iron-sulfur cluster assembly factor IBA57; plus strand). Cytogenetic location: 1q42.13.
Variant type: single nucleotide variant.
Coding change: c.980T>C on transcript NM_001010867.4 (MANE Select); coding-DNA position 980, T replaced by C.
Protein change: p.Ile327Thr; replaces isoleucine 327 with threonine.
Molecular consequence: missense variant.
Genome position (GRCh38, 1-based): chr1:228,175,422, T>C. VCF-style: chr1-228175422-T-C. GRCh37 (hg19) VCF-style: chr1-228363123-T-C.
Other names: c.401T>C, p.Ile134Thr (NM_001310327.2); short protein forms I327T, I134T.
Identifiers: ClinVar variation 559323 (VCV000559323.20), dbSNP rs61745091, ClinGen allele CA1431302.
Genomic context (GRCh38, chr1:228,175,422, plus strand): 5'-TGGGCAAGTTCAGGGCTGGCCAGGGCAACGTGGGGCTGGCCCTGCTGTGGTCAGAGAAGA[T>C]CAAGGGTCCTCTGCACATCAGAGCCTCTGAGGGTGCCCAGGTGGCCTTAGCCGCATCTGT-3'
Protein context (NP_001010867.1, residues 317-337): VGLALLWSEK[Ile327Thr]KGPLHIRASE

ClinVar aggregate classification (germline): Benign/Likely benign. Review status: criteria provided, multiple submitters, no conflicts (2 of 4 stars). 5 submissions from 5 submitters: Benign (1); Likely benign (3). 1 of the submissions does not count toward it. Last evaluated 2026-06-01.

Conditions:
Hereditary spastic paraplegia 74. Also called: Spastic paraplegia 74, autosomal recessive. Identifiers: Orphanet 468661, MedGen C5568837, MONDO:0014644, OMIM 616451.
Multiple mitochondrial dysfunctions syndrome 3 (MMDS3). Identifiers: Orphanet 363424, MedGen C3809165, MONDO:0014132, OMIM 615330.

Allele frequency attached by ClinVar (database versions not stated): gnomAD exomes 0.00088 and 0.00031; ExAC 0.00093; gnomAD 0.00322 and 0.00343; 1000 Genomes Project 0.00339; TOPMed 0.00353; 1000 Genomes Project 30x 0.00390; ESP Exome Variant Server 0.00408.
gnomAD v4.1: 961 of 1,612,720 alleles (0.06%); highest among the groups gnomAD compares: African/African-American, 1.2%; 5 homozygotes.

Submissions (5):

CeGaT Center for Human Genetics Tuebingen
Classification: Likely benign. Last evaluated: 2026-06-01. Review status: criteria provided, single submitter. Criteria: CeGaT Center For Human Genetics Tuebingen Variant Classification Criteria Version 2. Collection method: clinical testing. Allele origin: germline. Affected: yes. Observed: 1 variant allele.
Comment: IBA57: BP4, BS1

Labcorp Genetics (formerly Invitae), Labcorp
Classification: Benign for Multiple mitochondrial dysfunctions syndrome 3; Hereditary spastic paraplegia 74. Last evaluated: 2025-10-28. Review status: criteria provided, single submitter. Criteria: Invitae Variant Classification Sherloc (09022015). Collection method: clinical testing. Allele origin: germline.

GeneDx
Classification: Likely benign. Last evaluated: 2021-04-30. Review status: criteria provided, single submitter. Criteria: GeneDx Variant Classification Process June 2021. Collection method: clinical testing. Allele origin: germline. Affected: yes.

Breakthrough Genomics
Classification: Likely benign. Review status: criteria provided, single submitter. Criteria: ACMG Guidelines, 2015. Collection method: not provided. Allele origin: germline. Inheritance: Autosomal recessive inheritance. Affected: yes.

Mayo Clinic Laboratories, Mayo Clinic
Classification: Likely benign. Last evaluated: 2017-09-15. Review status: no assertion criteria provided. Collection method: clinical testing. Allele origin: unknown. Not counted in ClinVar's aggregate classification.